The following is an entry in ClinVar:

NM_005869.4(CWC27):c.225dup (p.Glu76fs)

Gene: CWC27 (CWC27 spliceosome associated cyclophilin; plus strand). Cytogenetic location: 5q12.3.
Variant type: Duplication.
Coding change: c.225dup on transcript NM_005869.4 (MANE Select); coding-DNA position 225, one base duplicated (A; older notation c.225dupA).
Protein change: p.Glu76fs; shifts the reading frame from glutamic acid 76.
Molecular consequence: frameshift variant.
Genome position (GRCh38, 1-based): chr5:64,782,006, A duplicated. VCF-style (leftmost placement, unchanged base first): chr5-64782005-G-GA. GRCh37 (hg19) VCF-style: chr5-64077832-G-GA.
Other names: c.225dup, p.Glu76fs (NM_001297644.1, NM_001297645.2, NM_001318000.2 and 1 more transcripts); short protein forms E76fs.
Identifiers: ClinVar variation 1432599 (VCV001432599.6), dbSNP rs2112161191, ClinGen allele CA2573139782.

ClinVar aggregate classification (germline): Pathogenic (1 of 4 stars; one submission).

Submission:

Labcorp Genetics (formerly Invitae), Labcorp
Classification: Pathogenic. Last evaluated: 2021-08-23. Review status: criteria provided, single submitter. Criteria: Invitae Variant Classification Sherloc (09022015). Collection method: clinical testing. Allele origin: germline.
Comment: For these reasons, this variant has been classified as Pathogenic. This variant has not been reported in the literature in individuals affected with CWC27-related conditions. This variant is not present in population databases (ExAC no frequency). This sequence change creates a premature translational stop signal (p.Glu76Argfs*11) in the CWC27 gene. It is expected to result in an absent or disrupted protein product. Loss-of-function variants in CWC27 are known to be pathogenic (PMID: 28285769).

Literature cited by the submitters: PubMed 28285769.